The following is an entry in ClinVar:

NM_001358921.2(COQ2):c.1047del (p.Asn351fs)

Gene: COQ2 (coenzyme Q2, polyprenyltransferase; minus strand). Cytogenetic location: 4q21.23.
Variant type: Deletion.
Coding change: c.1047del on transcript NM_001358921.2 (MANE Select); coding-DNA position 1047, one base deleted (T; older notation c.1047delT).
Protein change: p.Asn351fs; shifts the reading frame from asparagine 351.
Molecular consequence: frameshift variant.
Genome position (GRCh38, 1-based): chr4:83,264,268, A deleted on the plus strand (T on the coding strand, the reverse complement: COQ2 is on the minus strand); the first of 2 consecutive A bases (chr4:83,264,268-83,264,269); deleting either gives the same sequence. VCF-style (leftmost placement, unchanged base first): chr4-83264267-CA-C. GRCh37 (hg19) VCF-style: chr4-84185420-CA-C.
Other names: 1198delT; c.1197delT (NM_015697.9); c.1197del, p.Asn401fs (NM_015697.9); short protein forms N401fs, N351fs.
Identifiers: ClinVar variation 375340 (VCV000375340.8), dbSNP rs750710187, ClinGen allele CA2988447.

ClinVar aggregate classification (germline): Pathogenic/Likely pathogenic. Review status: criteria provided, multiple submitters, no conflicts (2 of 4 stars). 5 submissions from 5 submitters: Pathogenic (2); Likely pathogenic (1). 2 of the submissions do not count toward it. Last evaluated 2026-04-30.

Conditions:
Coenzyme Q10 deficiency, primary, 1. Also called: UBIQUINONE DEFICIENCY 1; COENZYME Q DEFICIENCY 1; CoQ DEFICIENCY 1. Identifiers: Orphanet 255249, MedGen C3551954, MONDO:0011829, OMIM 607426.
Multiple system atrophy 1, susceptibility to. Also called: MSA1, SUSCEPTIBILITY TO. Identifiers: MedGen C3714927, MONDO:0020715, OMIM 146500.
Coenzyme Q10 deficiency. Also called: Coenzyme Q10 deficiency, primary. Identifiers: Orphanet 35656, MedGen C1843920, MONDO:0018151.

Submissions (5):

Women's Health and Genetics/Laboratory Corporation of America, LabCorp
Classification: Pathogenic for Coenzyme Q10 deficiency, primary, 1. Last evaluated: 2026-04-30. Review status: criteria provided, single submitter. Criteria: LabCorp Variant Classification Summary - May 2015. Collection method: clinical testing. Allele origin: germline.
Comment: Variant summary: COQ2 c.1197delT (p.Asn401IlefsX15) results in a premature termination codon, predicted to cause a truncation of the encoded protein but is not expected to result in nonsense mediated decay. The variant allele was found at a frequency of 1.2e-05 in 246558 control chromosomes (gnomAD). c.1197delT has been observed in individuals affected with Coenzyme Q10 Deficiency, Primary, 1 in the homozygous or compound heterozygous state (Mollet_2007, Bravo-Alonso_2019). At least one publication reports experimental evidence evaluating an impact on protein function. The most pronounced variant effect results in <10% of normal coenzyme Q content in yeast (Desbats_2016). The following publications have been ascertained in the context of this evaluation (PMID: 17332895, 27493029, 31683770). ClinVar contains an entry for this variant (Variation ID: 375340). Based on the evidence outlined above, the variant was classified as pathogenic.

Labcorp Genetics (formerly Invitae), Labcorp
Classification: Likely pathogenic. Last evaluated: 2025-12-11. Review status: criteria provided, single submitter. Criteria: Invitae Variant Classification Sherloc (09022015). Collection method: clinical testing. Allele origin: germline.
Comment: This sequence change creates a premature translational stop signal (p.Asn401Ilefs*15) in the COQ2 gene. While this is not anticipated to result in nonsense mediated decay, it is expected to disrupt the last 21 amino acid(s) of the COQ2 protein. This variant is present in population databases (rs750710187, gnomAD 0.003%). This premature translational stop signal has been observed in individual(s) with clinical features of coenzyme Q10 deficiency (PMID: 17332895). This variant is also known as c.1198delT (p.N401fsX415) and/or c.1047delT (p.Asn351Ilefs*14). ClinVar contains an entry for this variant (Variation ID: 375340). Algorithms developed to predict the effect of variants on gene product structure and function are not available or were not evaluated for this variant. Experimental studies have shown that this premature translational stop signal affects COQ2 function (PMID: 17332895, 27493029). In summary, the currently available evidence indicates that the variant is pathogenic, but additional data are needed to prove that conclusively. Therefore, this variant has been classified as Likely Pathogenic.

Fulgent Genetics
Classification: Pathogenic for Multiple system atrophy 1, susceptibility to; Coenzyme Q10 deficiency, primary, 1. Last evaluated: 2024-04-18. Review status: criteria provided, single submitter. Criteria: ACMG Guidelines, 2015. Collection method: clinical testing. Allele origin: germline.

OMIM
Classification: Pathogenic for COENZYME Q10 DEFICIENCY, PRIMARY, 1. Last evaluated: 2007-03-01. Review status: no assertion criteria provided. Collection method: literature only. Allele origin: germline. Not counted in ClinVar's aggregate classification.

GeneReviews
No classification provided. Condition: Coenzyme Q10 deficiency. Review status: no classification provided. Collection method: literature only. Allele origin: germline. Not counted in ClinVar's aggregate classification.

Literature cited by the submitters: PubMed 27493029 (cited by Women's Health and Genetics/Laboratory Corporation of America, LabCorp and Labcorp Genetics (formerly Invitae), Labcorp); PubMed 31683770 (cited by Women's Health and Genetics/Laboratory Corporation of America, LabCorp); PubMed 17332895 (cited by 4 submitters); NCBI Bookshelf NBK410087 (cited by GeneReviews).